The following is an entry in ClinVar:

ClinVar aggregate classification (germline): Pathogenic (1 of 4 stars; one submission).

Conditions:
Glycogen storage disease type III (GSD3). Also called: FORBES DISEASE; Cori disease. Identifiers: Orphanet 366, MedGen C0017922, MONDO:0009291, OMIM 232400.

Submission:

Myriad Genetics, Inc.
Classification: Pathogenic for Glycogen storage disease type III. Last evaluated: 2023-10-29. Review status: criteria provided, single submitter. Criteria: Myriad Autosomal Dominant, Autosomal Recessive and X-Linked Classification Criteria (2023). Collection method: clinical testing. Allele origin: unknown.
Comment: NM_000642.2(AGL):c.4093_4094insTC(S1365Ifs*20) is expected to be pathogenic in the context of glycogen storage disease type III. This variant is predicted to lead to an abnormal or absent protein product due to the creation of a premature termination codon in AGL, a gene where loss-of-function variants are known to be pathogenic. Please note: this variant was assessed in the context of healthy population screening.

NM_000642.3(AGL):c.4093_4094insTC (p.Ser1365fs)

Gene: AGL (amylo-alpha-1,6-glucosidase and 4-alpha-glucanotransferase; plus strand). Cytogenetic location: 1p21.2.
Variant type: Insertion.
Coding change: c.4093_4094insTC on transcript NM_000642.3 (MANE Select); coding-DNA positions 4093 to 4094, TC inserted.
Protein change: p.Ser1365fs; shifts the reading frame from serine 1365.
Molecular consequence: frameshift variant.
Genome position: GRCh38 VCF-style: chr1-99913670-A-ATC. GRCh37 (hg19) VCF-style: chr1-100379226-A-ATC.
Other names: c.4093_4094insTC, p.Ser1365fs (NM_000028.3, NM_000643.3, NM_000644.3 and 1 more transcripts); c.4045_4046insTC, p.Ser1349fs (NM_000646.3); c.4072_4073insTC, p.Ser1358fs (NM_001425326.1); c.3892_3893insTC, p.Ser1298fs (NM_001425327.1); c.3889_3890insTC, p.Ser1297fs (NM_001425328.1); c.3754_3755insTC, p.Ser1252fs (NM_001425329.1); c.3715_3716insTC, p.Ser1239fs (NM_001425332.1); short protein forms S1239fs, S1252fs, S1297fs, S1298fs, S1349fs, S1358fs, S1365fs.
Identifiers: ClinVar variation 5012443 (VCV005012443.1).